The following is an entry in ClinVar:

NM_015559.3(SETBP1):c.4003A>G (p.Met1335Val)

Gene: SETBP1 (SET binding protein 1; plus strand). Cytogenetic location: 18q12.3.
Variant type: single nucleotide variant.
Coding change: c.4003A>G on transcript NM_015559.3 (MANE Select); coding-DNA position 4003, A replaced by G.
Protein change: p.Met1335Val; replaces methionine 1335 with valine.
Molecular consequence: missense variant. On other transcripts: intron variant (1).
Genome position (GRCh38, 1-based): chr18:45,038,487, A>G. VCF-style: chr18-45038487-A-G. GRCh37 (hg19) VCF-style: chr18-42618452-A-G.
Other names: c.4003A>G, p.Met1335Val (NM_001379141.1, NM_001379142.1); c.4001-24592A>G (NM_001410862.1); short protein forms M1335V.
Identifiers: ClinVar variation 2776996 (VCV002776996.3), dbSNP rs1223884281, ClinGen allele CA402482307.

ClinVar aggregate classification (germline): Uncertain significance (1 of 4 stars; one submission).

Allele frequency attached by ClinVar (database versions not stated): TOPMed 0.00001.

Submission:

Labcorp Genetics (formerly Invitae), Labcorp
Classification: Uncertain significance. Last evaluated: 2024-05-25. Review status: criteria provided, single submitter. Criteria: Invitae Variant Classification Sherloc (09022015). Collection method: clinical testing. Allele origin: germline.
Comment: This sequence change replaces methionine, which is neutral and non-polar, with valine, which is neutral and non-polar, at codon 1335 of the SETBP1 protein (p.Met1335Val). This variant is not present in population databases (gnomAD no frequency). This variant has not been reported in the literature in individuals affected with SETBP1-related conditions. An algorithm developed to predict the effect of missense changes on protein structure and function (PolyPhen-2) suggests that this variant is likely to be tolerated. In summary, the available evidence is currently insufficient to determine the role of this variant in disease. Therefore, it has been classified as a Variant of Uncertain Significance.